The following is an entry in ClinVar:

ClinVar aggregate classification (germline): Uncertain significance (1 of 4 stars; one submission).

Conditions:
PCNT-related disorder. Also called: PCNT-related condition.

gnomAD v4.1: 47 of 1,613,988 alleles (0.0029%); highest among the groups gnomAD compares: Non-Finnish European, 0.0039%; no homozygotes.

Submission:

PreventionGenetics, part of Exact Sciences
Classification: Uncertain significance for PCNT-related condition. Last evaluated: 2026-04-08. Review status: criteria provided, single submitter. Criteria: ACMG Guidelines, 2015. Collection method: clinical testing. Allele origin: germline.
Comment: The PCNT c.230A>G variant is predicted to result in the amino acid substitution p.Asp77Gly. To our knowledge, this variant has not been reported in the literature. This variant is reported in 0.0018% of alleles in individuals of European (Non-Finnish) descent in gnomAD. At this time, the clinical significance of this variant is uncertain due to the absence of conclusive functional and genetic evidence.

NM_006031.6(PCNT):c.230A>G (p.Asp77Gly)

Gene: PCNT (pericentrin; plus strand). Cytogenetic location: 21q22.3.
Variant type: single nucleotide variant.
Coding change: c.230A>G on transcript NM_006031.6 (MANE Select); coding-DNA position 230, A replaced by G.
Protein change: p.Asp77Gly; replaces aspartic acid 77 with glycine.
Molecular consequence: missense variant. On other transcripts: 5 prime UTR variant (1).
Genome position (GRCh38, 1-based): chr21:46,326,552, A>G. VCF-style: chr21-46326552-A-G. GRCh37 (hg19) VCF-style: chr21-47746466-A-G.
Other names: c.-125A>G (NM_001315529.2); short protein forms D77G.
Identifiers: ClinVar variation 4985255 (VCV004985255.1).